The following is an entry in ClinVar:

NM_002335.4(LRP5):c.4733C>T (p.Thr1578Met)

Gene: LRP5 (LDL receptor related protein 5; plus strand). Cytogenetic location: 11q13.2.
Variant type: single nucleotide variant.
Coding change: c.4733C>T on transcript NM_002335.4 (MANE Select); coding-DNA position 4733, C replaced by T.
Protein change: p.Thr1578Met; replaces threonine 1578 with methionine.
Molecular consequence: missense variant.
Genome position (GRCh38, 1-based): chr11:68,448,955, C>T. VCF-style: chr11-68448955-C-T. GRCh37 (hg19) VCF-style: chr11-68216423-C-T.
Other names: c.2990C>T, p.Thr997Met (NM_001291902.2); short protein forms T1578M, T997M.
Identifiers: ClinVar variation 1702025 (VCV001702025.4), dbSNP rs974175023, ClinGen allele CA224260778.
Genomic context (GRCh38, chr11:68,448,955, plus strand): 5'-AGGCCAGCAAGTACTACCTGGATTTGAACTCGGACTCAGACCCCTATCCACCCCCACCCA[C>T]GCCCCACAGCCAGTACCTGTCGGCGGAGGACAGCTGCCCGCCCTCGCCCGCCACCGAGAG-3'
Protein context (NP_002326.2, residues 1568-1588): SDSDPYPPPP[Thr1578Met]PHSQYLSAED

ClinVar aggregate classification (germline): Uncertain significance. Review status: criteria provided, multiple submitters, no conflicts (2 of 4 stars). 2 submissions from 2 submitters: Uncertain significance (2). Last evaluated 2025-12-21.

Conditions:
Osteogenesis imperfecta (OI). Identifiers: Orphanet 666, MedGen C0029434, MeSH D010013, MONDO:0019019.

Allele frequency attached by ClinVar (database versions not stated): gnomAD exomes below 0.00001; gnomAD 0.00001.
gnomAD v4.1: 7 of 1,612,916 alleles (0.00043%); highest among the groups gnomAD compares: African/African-American, 0.0027%; no homozygotes.

Submissions (2):

Labcorp Genetics (formerly Invitae), Labcorp
Classification: Uncertain significance. Last evaluated: 2025-12-21. Review status: criteria provided, single submitter. Criteria: Invitae Variant Classification Sherloc (09022015). Collection method: clinical testing. Allele origin: germline.
Comment: This sequence change replaces threonine, which is neutral and polar, with methionine, which is neutral and non-polar, at codon 1578 of the LRP5 protein (p.Thr1578Met). This variant is present in population databases (no rsID available, gnomAD 0.003%). This missense change has been observed in individual(s) with clinical features of autosomal dominant familial exudative vitreoretinopathy (PMID: 29181528). ClinVar contains an entry for this variant (Variation ID: 1702025). Invitae Evidence Modeling of protein sequence and biophysical properties (such as structural, functional, and spatial information, amino acid conservation, physicochemical variation, residue mobility, and thermodynamic stability) indicates that this missense variant is not expected to disrupt LRP5 protein function with a negative predictive value of 95%. This variant disrupts the p.Thr1578 amino acid residue in LRP5. Other variant(s) that disrupt this residue have been observed in individuals with LRP5-related conditions (PMID: 29181528, 36018796), which suggests that this may be a clinically significant amino acid residue. In summary, the available evidence is currently insufficient to determine the role of this variant in disease. Therefore, it has been classified as a Variant of Uncertain Significance.

Genome Diagnostics Laboratory, The Hospital for Sick Children
Classification: Uncertain significance for Osteogenesis imperfecta. Last evaluated: 2019-06-01. Review status: criteria provided, single submitter. Criteria: ACMG Guidelines, 2015. Collection method: clinical testing. Allele origin: germline.

Literature cited by the submitters: PubMed 29181528 (cited by Labcorp Genetics (formerly Invitae), Labcorp); PubMed 36018796 (cited by Labcorp Genetics (formerly Invitae), Labcorp).